The following is an entry in ClinVar:

NM_000540.3(RYR1):c.4490G>A (p.Gly1497Glu)

Gene: RYR1 (ryanodine receptor 1; plus strand). Cytogenetic location: 19q13.2.
Variant type: single nucleotide variant.
Coding change: c.4490G>A on transcript NM_000540.3 (MANE Select); coding-DNA position 4490, G replaced by A.
Protein change: p.Gly1497Glu; replaces glycine 1497 with glutamic acid.
Molecular consequence: missense variant.
Genome position (GRCh38, 1-based): chr19:38,478,470, G>A. VCF-style: chr19-38478470-G-A. GRCh37 (hg19) VCF-style: chr19-38969110-G-A.
Other names: c.4490G>A, p.Gly1497Glu (NM_001042723.2); short protein forms G1497E.
Identifiers: ClinVar variation 3774532 (VCV003774532.1).

ClinVar aggregate classification (germline): Uncertain significance (1 of 4 stars; one submission).

Conditions:
Central core myopathy (CMYO1A). Also called: Central core disease; Myopathy, central fibrillar; CONGENITAL MYOPATHY 1A, AUTOSOMAL DOMINANT, WITH SUSCEPTIBILITY TO MALIGNANT HYPERTHERMIA. Identifiers: Orphanet 597, MedGen C5830701, MONDO:0007294, OMIM 117000.
Malignant hyperthermia, susceptibility to, 1 (MHS1). Also called: Anesthesia related hyperthermia; Malignant hyperpyrexia; Fulminating hyperpyrexia; Pharmacogenic myopathy; RYR1-Related Malignant Hyperthermia Susceptibility; Malignant hyperthermia suceptibility 1. Identifiers: Orphanet 423, MedGen C2930980, MONDO:0007783, OMIM 145600.

gnomAD v4.1: 1 of 1,614,044 alleles (0.000062%); highest among the groups gnomAD compares: Non-Finnish European, 0.000085%; no homozygotes.

Submission:

Diagnostics Services (NGS), CSIR - Centre For Cellular And Molecular Biology
Classification: Uncertain significance for Central core myopathy; Malignant hyperthermia, susceptibility to, 1. Last evaluated: 2025-03-11. Review status: criteria provided, single submitter. Criteria: ACMG Guidelines, 2015. Collection method: clinical testing. Allele origin: unknown. Observed: 1 variant allele, 1 heterozygote.
Comment: The c.4490G>A variant is not present in 1000 Genomes, EVS, gnomAD, Indian Exome Database or our internal database. The variant has neither been published in the literature for RYR1-related conditions nor reported to clinical databases like OMIM, HGMD or ClinVar, in any affected individuals. In-silico pathogenicity prediction programs like Polyphen-2, MutationTaster2021, CADD etc predicted this variant to be likely deleterious however these predictions were not confirmed by any published functional studies.